The following is an entry in ClinVar:

ClinVar aggregate classification (germline): Uncertain significance. Review status: criteria provided, multiple submitters, no conflicts (2 of 4 stars). 2 submissions from 2 submitters: Uncertain significance (2). Last evaluated 2025-11-26.

Conditions:
Inborn genetic diseases. Identifiers: MedGen C0950123, MeSH D030342.
Aicardi-Goutieres syndrome 3. Identifiers: Orphanet 51, MedGen C1835916, MONDO:0012471, OMIM 610329.

Submissions (2):

Ambry Genetics
Classification: Uncertain significance for Inborn genetic diseases. Last evaluated: 2025-11-26. Review status: criteria provided, single submitter. Criteria: Ambry Variant Classification Scheme 2023. Collection method: clinical testing. Allele origin: germline.

Labcorp Genetics (formerly Invitae), Labcorp
Classification: Uncertain significance for Aicardi-Goutieres syndrome 3. Last evaluated: 2022-05-29. Review status: criteria provided, single submitter. Criteria: Invitae Variant Classification Sherloc (09022015). Collection method: clinical testing. Allele origin: germline.
Comment: This sequence change replaces leucine, which is neutral and non-polar, with phenylalanine, which is neutral and non-polar, at codon 99 of the RNASEH2C protein (p.Leu99Phe). This variant is present in population databases (no rsID available, gnomAD 0.003%). This variant has not been reported in the literature in individuals affected with RNASEH2C-related conditions. ClinVar contains an entry for this variant (Variation ID: 1423114). Algorithms developed to predict the effect of missense changes on protein structure and function (SIFT, PolyPhen-2, Align-GVGD) all suggest that this variant is likely to be tolerated. In summary, the available evidence is currently insufficient to determine the role of this variant in disease. Therefore, it has been classified as a Variant of Uncertain Significance.

NM_032193.4(RNASEH2C):c.297G>C (p.Leu99Phe)

Gene: RNASEH2C (ribonuclease H2 subunit C; minus strand). Cytogenetic location: 11q13.1.
Variant type: single nucleotide variant.
Coding change: c.297G>C on transcript NM_032193.4 (MANE Select); coding-DNA position 297, G replaced by C.
Protein change: p.Leu99Phe; replaces leucine 99 with phenylalanine.
Molecular consequence: missense variant.
Genome position (GRCh38, 1-based): chr11:65,720,293, C>G on the plus strand (G>C on the coding strand, the complement: RNASEH2C is on the minus strand). VCF-style: chr11-65720293-C-G. GRCh37 (hg19) VCF-style: chr11-65487764-C-G.
Other names: c.297G>C (NM_032193.3); short protein forms L99F.
Identifiers: ClinVar variation 1423114 (VCV001423114.6), dbSNP rs1390405064, ClinGen allele CA381298724.